The following is an entry in ClinVar:

NM_000704.3(ATP4A):c.1658A>G (p.Tyr553Cys)

Gene: ATP4A (ATPase H+/K+ transporting subunit alpha; minus strand). Cytogenetic location: 19q13.12.
Variant type: single nucleotide variant.
Coding change: c.1658A>G on transcript NM_000704.3 (MANE Select); coding-DNA position 1658, A replaced by G.
Protein change: p.Tyr553Cys; replaces tyrosine 553 with cysteine.
Molecular consequence: missense variant.
Genome position (GRCh38, 1-based): chr19:35,557,690, T>C on the plus strand (A>G on the coding strand, the complement: ATP4A is on the minus strand). VCF-style: chr19-35557690-T-C. GRCh37 (hg19) VCF-style: chr19-36048592-T-C.
Other names: short protein forms Y553C.
Identifiers: ClinVar variation 4644313 (VCV004644313.2).
Genomic context (GRCh38, chr19:35,557,690, plus strand): 5'-CTCCTCCCCTGCCCAGGGGTCTCACCGAGCACGCGTTCGCCCAGGCCTCCCAGGCTGAGG[T>C]AGGCGGTCTGGAAGGCCTCGCGCCACTGCTCGTCCAGCGGCAGCTCCTGGCCCTTGATAA-3'
Protein context (NP_000695.2, residues 543-563): EQWREAFQTA[Tyr553Cys]LSLGGLGERV

ClinVar aggregate classification (germline): Uncertain significance. Review status: criteria provided, multiple submitters, no conflicts (2 of 4 stars). 2 submissions from 2 submitters: Uncertain significance (2). Last evaluated 2025-12-24.

Submissions (2):

Labcorp Genetics (formerly Invitae), Labcorp
Classification: Uncertain significance. Last evaluated: 2025-12-24. Review status: criteria provided, single submitter. Criteria: Invitae Variant Classification Sherloc (09022015). Collection method: clinical testing. Allele origin: germline.
Comment: This sequence change replaces tyrosine, which is neutral and polar, with cysteine, which is neutral and slightly polar, at codon 553 of the ATP4A protein (p.Tyr553Cys). This variant is not present in population databases (gnomAD no frequency). This variant has not been reported in the literature in individuals affected with ATP4A-related conditions. Invitae Evidence Modeling of protein sequence and biophysical properties (such as structural, functional, and spatial information, amino acid conservation, physicochemical variation, residue mobility, and thermodynamic stability) indicates that this missense variant is not expected to disrupt ATP4A protein function with a negative predictive value of 80%. In summary, the available evidence is currently insufficient to determine the role of this variant in disease. Therefore, it has been classified as a Variant of Uncertain Significance.

Ambry Genetics
Classification: Uncertain significance. Last evaluated: 2025-11-24. Review status: criteria provided, single submitter. Criteria: Ambry Variant Classification Scheme 2023. Collection method: clinical testing. Allele origin: germline.